The following is an entry in ClinVar:

Conditions:
Breast-ovarian cancer, familial, susceptibility to, 1 (BROVCA1). Also called: BRCA1 Hereditary Breast and Ovarian Cancer; OVARIAN CANCER, SUSCEPTIBILITY TO. Identifiers: Orphanet 145, MedGen C2676676, MONDO:0011450, OMIM 604370. Disease mechanism: loss of function.

Submission:

Brotman Baty Institute, University of Washington
No classification provided (evidence only). Condition: Breast-ovarian cancer, familial 1. Review status: no classification provided. Collection method: in vitro. Allele origin: not applicable. Functional consequence: function_uncertain_variant.
ClinVar note: "not provided" was previously submitted as the classification for the variant. However, the classification appeared to be based only on an observation of functional data so it was converted to no classification on 2025-07-30.

NM_007294.4(BRCA1):c.265A>G (p.Ile89Val)

Gene: BRCA1 (BRCA1 DNA repair associated; minus strand). Cytogenetic location: 17q21.31.
Variant type: single nucleotide variant.
Coding change: c.265A>G on transcript NM_007294.4 (MANE Select); coding-DNA position 265, A replaced by G.
Protein change: p.Ile89Val; replaces isoleucine 89 with valine.
Molecular consequence: missense variant. On other transcripts: non-coding transcript variant (1).
Genome position (GRCh38, 1-based): chr17:43,104,904, T>C on the plus strand (A>G on the coding strand, the complement: BRCA1 is on the minus strand). VCF-style: chr17-43104904-T-C. GRCh37 (hg19) VCF-style: chr17-41256921-T-C.
Other names: c.124A>G, p.Ile42Val (NM_001408497.1, NM_001408498.1, NM_001408499.1 and 99 more transcripts); c.55A>G, p.Ile19Val (NM_001408502.1, NM_001407571.1, NM_001407853.1 and 58 more transcripts); c.265A>G, p.Ile89Val (NM_007298.4, NM_007299.4, NM_007300.4 and 168 more transcripts); c.187A>G, p.Ile63Val (NM_001407653.1, NM_001407654.1, NM_001407655.1 and 21 more transcripts); c.-117A>G (NM_001407959.1, NM_001407960.1, NM_001407962.1 and 4 more transcripts); c.133A>G, p.Ile45Val (NM_001408451.1); short protein forms I42V, I89V, I63V, I45V, I19V.
Identifiers: ClinVar variation 868813 (VCV000868813.3), dbSNP rs2054681350, ClinGen allele CA10601624.